The following is an entry in ClinVar:

NM_001127222.2(CACNA1A):c.562G>C (p.Glu188Gln)

Gene: CACNA1A (calcium voltage-gated channel subunit alpha1 A; minus strand). Cytogenetic location: 19p13.13.
Variant type: single nucleotide variant.
Coding change: c.562G>C on transcript NM_001127222.2 (MANE Select); coding-DNA position 562, G replaced by C.
Protein change: p.Glu188Gln; replaces glutamic acid 188 with glutamine.
Molecular consequence: missense variant.
Genome position (GRCh38, 1-based): chr19:13,371,757, C>G on the plus strand (G>C on the coding strand, the complement: CACNA1A is on the minus strand). VCF-style: chr19-13371757-C-G. GRCh37 (hg19) VCF-style: chr19-13482571-C-G.
Other names: c.562G>C, p.Glu188Gln (NM_000068.4, NM_001127221.2, NM_001174080.2 and 1 more transcripts); short protein forms E188Q.
Identifiers: ClinVar variation 962111 (VCV000962111.11), dbSNP rs2059326934, ClinGen allele CA404351200.

ClinVar aggregate classification (germline): Uncertain significance. Review status: criteria provided, multiple submitters, no conflicts (2 of 4 stars). 2 submissions from 2 submitters: Uncertain significance (2). Last evaluated 2020-03-05.

Conditions:
Developmental and epileptic encephalopathy, 42 (DEE42A). Also called: DEVELOPMENTAL AND EPILEPTIC ENCEPHALOPATHY 42A; EPILEPTIC ENCEPHALOPATHY, EARLY INFANTILE, 42A; Epileptic encephalopathy, early infantile, 42. Identifiers: MedGen C4310716, MONDO:0014917, OMIM 617106.
Episodic ataxia type 2 (EA2). Also called: ATAXIA, EPISODIC, WITH NYSTAGMUS; ATAXIA, FAMILIAL PAROXYSMAL; CEREBELLAR ATAXIA, PAROXYSMAL, ACETAZOLAMIDE-RESPONSIVE; ACETAZOLAMIDE-RESPONSIVE HEREDITARY PAROXYSMAL CEREBELLAR ATAXIA; CEREBELLOPATHY, HEREDITARY PAROXYSMAL; EPISODIC ATAXIA, NYSTAGMUS-ASSOCIATED. Identifiers: Orphanet 97, MedGen C1720416, MONDO:0007163, OMIM 108500.

Submissions (2):

Labcorp Genetics (formerly Invitae), Labcorp
Classification: Uncertain significance for Developmental and epileptic encephalopathy, 42; Episodic ataxia type 2. Last evaluated: 2020-03-05. Review status: criteria provided, single submitter. Criteria: Invitae Variant Classification Sherloc (09022015). Collection method: clinical testing. Allele origin: germline.
Comment: This sequence change replaces glutamic acid with glutamine at codon 188 of the CACNA1A protein (p.Glu188Gln). The glutamic acid residue is highly conserved and there is a small physicochemical difference between glutamic acid and glutamine. This variant is not present in population databases (ExAC no frequency). This variant has not been reported in the literature in individuals with CACNA1A-related conditions. Algorithms developed to predict the effect of missense changes on protein structure and function (SIFT, PolyPhen-2, Align-GVGD) all suggest that this variant is likely to be tolerated, but these predictions have not been confirmed by published functional studies and their clinical significance is uncertain. In summary, the available evidence is currently insufficient to determine the role of this variant in disease. Therefore, it has been classified as a Variant of Uncertain Significance.

GeneDx
Classification: Uncertain significance. Last evaluated: 2019-12-20. Review status: criteria provided, single submitter. Criteria: GeneDx Variant Classification Process June 2021. Collection method: clinical testing. Allele origin: germline. Affected: yes.
Comment: Not observed in large population cohorts (Lek et al., 2016); In silico analysis, which includes protein predictors and evolutionary conservation, supports that this variant does not alter protein structure/function; Has not been previously published as pathogenic or benign to our knowledge